The following is an entry in ClinVar:

NM_021098.3(CACNA1H):c.1191C>T (p.Ile397=)

Gene: CACNA1H (calcium voltage-gated channel subunit alpha1 H; plus strand). Cytogenetic location: 16p13.3.
Variant type: single nucleotide variant.
Coding change: c.1191C>T on transcript NM_021098.3 (MANE Select); coding-DNA position 1191, C replaced by T.
Protein change: p.Ile397=; no amino-acid change (isoleucine 397 retained).
Molecular consequence: synonymous variant.
Genome position (GRCh38, 1-based): chr16:1,200,787, C>T. VCF-style: chr16-1200787-C-T. GRCh37 (hg19) VCF-style: chr16-1250787-C-T.
Other names: c.1191C>T, p.Ile397= (NM_001005407.2).
Identifiers: ClinVar variation 767280 (VCV000767280.11), dbSNP rs765469156, ClinGen allele CA7799837.

ClinVar aggregate classification (germline): Likely benign. Review status: criteria provided, multiple submitters, no conflicts (2 of 4 stars). 2 submissions from 2 submitters: Likely benign (2). Last evaluated 2025-10-12.

Conditions:
Idiopathic generalized epilepsy. Also called: Generalised epilepsy; EIG. Identifiers: MedGen C0270850, MONDO:0005579, OMIM 600669.
Hyperaldosteronism, familial, type IV (HALD4). Also called: FH IV; ALDOSTERONISM, PRIMARY, AND HYPERTENSION. Identifiers: Orphanet 642671, MedGen C4310756, MONDO:0014875, OMIM 617027.

Allele frequency attached by ClinVar (database versions not stated): TOPMed 0.00008; ExAC 0.00005.
gnomAD v4.1: 45 of 1,552,466 alleles (0.0029%); highest among the groups gnomAD compares: Admixed American, 0.045%; no homozygotes.

Submissions (2):

Labcorp Genetics (formerly Invitae), Labcorp
Classification: Likely benign for Idiopathic generalized epilepsy; Hyperaldosteronism, familial, type IV. Last evaluated: 2025-10-12. Review status: criteria provided, single submitter. Criteria: Invitae Variant Classification Sherloc (09022015). Collection method: clinical testing. Allele origin: germline.

Athena Diagnostics
Classification: Likely benign. Last evaluated: 2025-05-06. Review status: criteria provided, single submitter. Criteria: Athena Diagnostics Criteria. Collection method: clinical testing. Allele origin: unknown.
Comment: The frequency of this variant in the general population is higher than would generally be expected for pathogenic variants in this gene. Computational tools yielded predictions that this variant is unlikely to have an effect on normal RNA splicing. This nucleotide position exhibits low evolutionary conservation.